The following is an entry in ClinVar:

NM_031206.7(LAS1L):c.1301-3C>T

Gene: LAS1L (LAS1 like ribosome biogenesis factor; minus strand). Cytogenetic location: Xq12.
Variant type: single nucleotide variant.
Coding change: c.1301-3C>T on transcript NM_031206.7 (MANE Select); 3 bases into the intron before coding-DNA position 1301, C replaced by T.
Molecular consequence: intron variant.
Genome position (GRCh38, 1-based): chrX:65,523,710, G>A on the plus strand (C>T on the coding strand, the complement: LAS1L is on the minus strand). VCF-style: chrX-65523710-G-A. GRCh37 (hg19) VCF-style: chrX-64743590-G-A.
Other names: c.1124-3C>T (NM_001170650.2); c.344-3C>T (NM_001375332.1); c.1250-3C>T (NM_001375333.1, NM_001170649.2, NM_001375331.1 and 4 more transcripts); c.1301-3C>T (NM_001375328.1, NM_001375329.1, NM_001410733.1 and 3 more transcripts).
Identifiers: ClinVar variation 4535802 (VCV004535802.1).
Genomic context (GRCh38, chrX:65,523,710, plus strand): 5'-AGCCTCCAGCCCCTTCTTGCTTCCCACTGGCCTGCAGAAAATCGGCGAGCATTCCGTCCT[G>A]AGAGAGAAGAGAGGATCTAAGGAGAAGGAAGCAGTGAGCCCCCCACCCAACATTTCACCT-3'

ClinVar aggregate classification (germline): Uncertain significance (1 of 4 stars; one submission).

gnomAD v4.1: 1 of 1,176,104 alleles (0.000085%); highest among the groups gnomAD compares: East Asian, 0.0031%; no homozygotes.

Submission:

Women's Health and Genetics/Laboratory Corporation of America, LabCorp
Classification: Uncertain significance. Last evaluated: 2025-09-04. Review status: criteria provided, single submitter. Criteria: LabCorp Variant Classification Summary - May 2015. Collection method: clinical testing. Allele origin: germline.
Comment: Variant summary: LAS1L c.1301-3C>T alters a nucleotide located close to a canonical splice site and therefore could affect mRNA splicing, leading to a significantly altered protein sequence. Consensus agreement among computation tools predict no significant impact on normal splicing. However, these predictions have yet to be confirmed by functional studies. The variant was absent in 138667 control chromosomes. The available data on variant occurrences in the general population are insufficient to allow any conclusion about variant significance. To our knowledge, no occurrence of c.1301-3C>T in individuals affected with LAS1L-related conditions and no experimental evidence demonstrating its impact on protein function have been reported. No submitters have cited clinical-significance assessments for this variant to ClinVar. Based on the evidence outlined above, the variant was classified as uncertain significance.